The following is an entry in ClinVar:

NM_138459.5(NUS1):c.498A>T (p.Lys166Asn)

Gene: NUS1 (NUS1 dehydrodolichyl diphosphate synthase subunit; plus strand). Cytogenetic location: 6q22.1.
Variant type: single nucleotide variant.
Coding change: c.498A>T on transcript NM_138459.5 (MANE Select); coding-DNA position 498, A replaced by T.
Protein change: p.Lys166Asn; replaces lysine 166 with asparagine.
Molecular consequence: missense variant.
Genome position (GRCh38, 1-based): chr6:117,693,124, A>T. VCF-style: chr6-117693124-A-T. GRCh37 (hg19) VCF-style: chr6-118014287-A-T.
Other names: short protein forms K166N.
Identifiers: ClinVar variation 1420199 (VCV001420199.8), dbSNP rs1392457084, ClinGen allele CA365536787.

ClinVar aggregate classification (germline): Uncertain significance (1 of 4 stars; one submission).

Conditions:
Congenital disorder of glycosylation, type Iaa. Also called: Congenital disorder of glycosylation, type 1aa. Identifiers: MedGen C4310727, MONDO:0014904, OMIM 617082.

Allele frequency attached by ClinVar (database versions not stated): gnomAD exomes below 0.00001; TOPMed below 0.00001.
gnomAD v4.1: 4 of 1,612,916 alleles (0.00025%); highest among the groups gnomAD compares: Non-Finnish European, 0.00017%; no homozygotes.

Submission:

Labcorp Genetics (formerly Invitae), Labcorp
Classification: Uncertain significance for Congenital disorder of glycosylation, type Iaa. Last evaluated: 2025-07-29. Review status: criteria provided, single submitter. Criteria: Invitae Variant Classification Sherloc (09022015). Collection method: clinical testing. Allele origin: germline.
Comment: This sequence change replaces lysine, which is basic and polar, with asparagine, which is neutral and polar, at codon 166 of the NUS1 protein (p.Lys166Asn). This variant is present in population databases (no rsID available, gnomAD 0.0009%). This variant has not been reported in the literature in individuals affected with NUS1-related conditions. ClinVar contains an entry for this variant (Variation ID: 1420199). An algorithm developed to predict the effect of missense changes on protein structure and function (PolyPhen-2) suggests that this variant is likely to be disruptive. In summary, the available evidence is currently insufficient to determine the role of this variant in disease. Therefore, it has been classified as a Variant of Uncertain Significance.